The following is an entry in ClinVar:

NM_001174147.2(LMX1B):c.327-1G>A

Gene: LMX1B (LIM homeobox transcription factor 1 beta; plus strand). Cytogenetic location: 9q33.3.
Variant type: single nucleotide variant.
Coding change: c.327-1G>A on transcript NM_001174147.2 (MANE Select); the canonical splice acceptor site of the intron before coding-DNA position 327, G replaced by A.
Molecular consequence: splice acceptor variant.
Genome position (GRCh38, 1-based): chr9:126,690,835, G>A. VCF-style: chr9-126690835-G-A. GRCh37 (hg19) VCF-style: chr9-129453114-G-A.
Other names: c.327-1G>A (NM_001174146.2, NM_002316.4).
Identifiers: ClinVar variation 2632288 (VCV002632288.1), dbSNP rs2490682185, ClinGen allele CA374912071.

ClinVar aggregate classification (germline): Likely pathogenic (1 of 4 stars; one submission).

Conditions:
LMX1B-related disorder. Also called: LMX1B-related condition.

Submission:

PreventionGenetics, part of Exact Sciences
Classification: Likely pathogenic for LMX1B-related condition. Last evaluated: 2023-06-20. Review status: criteria provided, single submitter. Criteria: ACMG Guidelines, 2015. Collection method: clinical testing. Allele origin: germline.
Comment: The LMX1B c.327-1G>A variant is predicted to disrupt the AG splice acceptor site and interfere with normal splicing. To our knowledge, this variant has not been reported in the literature or in a large population database, indicating this variant is rare. A different splice variant at this exon/intron junction (c.327-2A>G) has been reported in a patient with nail-patella syndrome (Clough et al. 1999. PubMed ID: 10571942). Variants that disrupt the consensus splice acceptor site in LMX1B are expected to be pathogenic. This variant is interpreted as likely pathogenic.